The following is an entry in ClinVar:

ClinVar aggregate classification (germline): Uncertain significance (1 of 4 stars; one submission).

gnomAD v4.1: 18 of 1,564,110 alleles (0.0012%); highest among the groups gnomAD compares: Non-Finnish European, 0.0016%; no homozygotes.

Submission:

Labcorp Genetics (formerly Invitae), Labcorp
Classification: Uncertain significance. Last evaluated: 2025-10-22. Review status: criteria provided, single submitter. Criteria: Invitae Variant Classification Sherloc (09022015). Collection method: clinical testing. Allele origin: germline.
Comment: This sequence change falls in intron 18 of the SCLT1 gene. It does not directly change the encoded amino acid sequence of the SCLT1 protein. It affects a nucleotide within the consensus splice site. This variant is present in population databases (no rsID available, gnomAD 0.01%). This variant has not been reported in the literature in individuals affected with SCLT1-related conditions. Variants that disrupt the consensus splice site are a relatively common cause of aberrant splicing (PMID: 17576681, 9536098). Algorithms developed to predict the effect of sequence changes on RNA splicing suggest that this variant may disrupt the consensus splice site. In summary, the available evidence is currently insufficient to determine the role of this variant in disease. Therefore, it has been classified as a Variant of Uncertain Significance.

Literature cited by the submitters: PubMed 17576681; PubMed 9536098.

NM_144643.4(SCLT1):c.1829+3A>C

Gene: SCLT1 (sodium channel and clathrin linker 1; minus strand). Cytogenetic location: 4q28.2.
Variant type: single nucleotide variant.
Coding change: c.1829+3A>C on transcript NM_144643.4 (MANE Select); 3 bases into the intron after coding-DNA position 1829, A replaced by C.
Molecular consequence: intron variant.
Genome position (GRCh38, 1-based): chr4:128,936,652, T>G on the plus strand (A>C on the coding strand, the complement: SCLT1 is on the minus strand). VCF-style: chr4-128936652-T-G. GRCh37 (hg19) VCF-style: chr4-129857807-T-G.
Identifiers: ClinVar variation 4702213 (VCV004702213.1).